The following is an entry in ClinVar:

NM_001080517.3(SETD5):c.2069A>G (p.Asn690Ser)

Gene: SETD5 (SET domain containing 5; plus strand). Cytogenetic location: 3p25.3.
Variant type: single nucleotide variant.
Coding change: c.2069A>G on transcript NM_001080517.3 (MANE Select); coding-DNA position 2069, A replaced by G.
Protein change: p.Asn690Ser; replaces asparagine 690 with serine.
Molecular consequence: missense variant.
Genome position (GRCh38, 1-based): chr3:9,447,972, A>G. VCF-style: chr3-9447972-A-G. GRCh37 (hg19) VCF-style: chr3-9489656-A-G.
Other names: c.1775A>G, p.Asn592Ser (NM_001292043.2, NM_001349451.2); c.2165A>G, p.Asn722Ser (NM_001437633.1); c.2126A>G, p.Asn709Ser (NM_001437635.1); c.2069A>G, p.Asn690Ser (NM_001437643.1); c.2108A>G, p.Asn703Ser (NM_001437701.1); short protein forms N722S, N690S, N703S, N592S, N709S.
Identifiers: ClinVar variation 5001383 (VCV005001383.1).
Genomic context (GRCh38, chr3:9,447,972, plus strand): 5'-AAAACAGGCCATTAACAGGGTCTGACCCAACTGTGGTGTCAATTACTGGATCCCATGTCA[A>G]CCGTGCTGCATCTAAATACCCCAAAACCAAAAAGGTAAGTCACAAATGCATCCTTTATAA-3'
Protein context (NP_001073986.1, residues 680-700): TVVSITGSHV[Asn690Ser]RAASKYPKTK

ClinVar aggregate classification (germline): Uncertain significance (1 of 4 stars; one submission).

Conditions:
SETD5-related disorder. Also called: SETD5-related disorders; SETD5-related condition.

Submission:

PreventionGenetics, part of Exact Sciences
Classification: Uncertain significance for SETD5-related condition. Last evaluated: 2025-04-07. Review status: criteria provided, single submitter. Criteria: ACMG Guidelines, 2015. Collection method: clinical testing. Allele origin: germline.
Comment: The SETD5 c.2069A>G variant is predicted to result in the amino acid substitution p.Asn690Ser. To our knowledge, this variant has not been reported in the literature or in a large population database (gnomAD), indicating this variant is rare. At this time, the clinical significance of this variant is uncertain due to the absence of conclusive functional and genetic evidence.